The following is an entry in ClinVar:

ClinVar aggregate classification (germline): Benign. Review status: criteria provided, multiple submitters, no conflicts (2 of 4 stars). 3 submissions from 3 submitters: Benign (3). Last evaluated 2018-07-07.

Allele frequency attached by ClinVar (database versions not stated): 1000 Genomes Project 0.57588; 1000 Genomes Project 30x 0.58136; TOPMed 0.63845; ESP Exome Variant Server 0.63986; gnomAD 0.64230 and 0.64557; ExAC 0.65691; gnomAD exomes 0.66303 and 0.68403.
gnomAD v4.1: 1,094,650 of 1,610,422 alleles (68%); highest among the groups gnomAD compares: Admixed American, 72%; 375,399 homozygotes.

Submissions (3):

ARUP Laboratories, Molecular Genetics and Genomics, ARUP Laboratories
Classification: Benign. Last evaluated: 2018-07-07. Review status: criteria provided, single submitter. Criteria: ARUP Molecular Germline Variant Investigation Process. Collection method: clinical testing. Allele origin: germline.

GeneDx
Classification: Benign. Last evaluated: 2018-06-14. Review status: criteria provided, single submitter. Criteria: GeneDx Variant Classification (06012015). Collection method: clinical testing. Allele origin: germline. Affected: yes.
Comment: This variant is considered likely benign or benign based on one or more of the following criteria: it is a conservative change, it occurs at a poorly conserved position in the protein, it is predicted to be benign by multiple in silico algorithms, and/or has population frequency not consistent with disease.

Breakthrough Genomics
Classification: Benign. Review status: criteria provided, single submitter. Criteria: ACMG Guidelines, 2015. Collection method: not provided. Allele origin: germline. Inheritance: Autosomal dominant inheritance. Affected: yes.

NM_000088.4(COL1A1):c.1669-31T>C

Gene: COL1A1 (collagen type I alpha 1 chain; minus strand). Cytogenetic location: 17q21.33.
Variant type: single nucleotide variant.
Coding change: c.1669-31T>C on transcript NM_000088.4 (MANE Select); 31 bases into the intron before coding-DNA position 1669, T replaced by C.
Molecular consequence: intron variant.
Genome position (GRCh38, 1-based): chr17:50,194,072, A>G on the plus strand (T>C on the coding strand, the complement: COL1A1 is on the minus strand). VCF-style: chr17-50194072-A-G. GRCh37 (hg19) VCF-style: chr17-48271433-A-G.
Identifiers: ClinVar variation 674803 (VCV000674803.10), dbSNP rs1007086, ClinGen allele CA8645148.